The following is an entry in ClinVar:

NM_012199.5(AGO1):c.1637A>G (p.Gln546Arg)

Gene: AGO1 (argonaute RISC component 1; plus strand). Cytogenetic location: 1p34.3.
Variant type: single nucleotide variant.
Coding change: c.1637A>G on transcript NM_012199.5 (MANE Select); coding-DNA position 1637, A replaced by G.
Protein change: p.Gln546Arg; replaces glutamine 546 with arginine.
Molecular consequence: missense variant.
Genome position (GRCh38, 1-based): chr1:35,913,896, A>G. VCF-style: chr1-35913896-A-G. GRCh37 (hg19) VCF-style: chr1-36379497-A-G.
Other names: c.1637A>G, p.Gln546Arg (NM_001317122.2); c.1412A>G, p.Gln471Arg (NM_001317123.2); short protein forms Q546R, Q471R.
Identifiers: ClinVar variation 2588073 (VCV002588073.2), dbSNP rs2523916085, ClinGen allele CA339358777.
Genomic context (GRCh38, chr1:35,913,896, plus strand): 5'-CCTTAGCTGAGGTGAAACGTGTCGGAGATACACTCTTGGGAATGGCTACGCAGTGTGTGC[A>G]GGTGAAGAACGTGGTCAAGACCTCACCTCAGACTCTGTCCAACCTCTGCCTCAAGATCAA-3'
Protein context (NP_036331.1, residues 536-556): TLLGMATQCV[Gln546Arg]VKNVVKTSPQ

ClinVar aggregate classification (germline): Uncertain significance (1 of 4 stars; one submission).

Conditions:
Inborn genetic diseases. Identifiers: MedGen C0950123, MeSH D030342.

Submission:

Ambry Genetics
Classification: Uncertain significance for Inborn genetic diseases. Last evaluated: 2023-08-03. Review status: criteria provided, single submitter. Criteria: Ambry Variant Classification Scheme 2023. Collection method: clinical testing. Allele origin: germline.
Comment: The c.1637A>G (p.Q546R) alteration is located in exon 13 (coding exon 13) of the AGO1 gene. This alteration results from an A to G substitution at nucleotide position 1637, causing the glutamine (Q) at amino acid position 546 to be replaced by an arginine (R). This variant was not reported in population-based cohorts in the Genome Aggregation Database (gnomAD). This amino acid position is highly conserved in available vertebrate species. This missense alteration is located in a region that has a low rate of benign missense variation (Lek, 2016; Firth, 2009). The in silico prediction for this alteration is inconclusive. Based on insufficient or conflicting evidence, the clinical significance of this alteration remains unclear.